The following is an entry in ClinVar:

NM_006445.4(PRPF8):c.2680G>A (p.Val894Met)

Gene: PRPF8 (pre-mRNA processing factor 8; minus strand). Cytogenetic location: 17p13.3.
Variant type: single nucleotide variant.
Coding change: c.2680G>A on transcript NM_006445.4 (MANE Select); coding-DNA position 2680, G replaced by A.
Protein change: p.Val894Met; replaces valine 894 with methionine.
Molecular consequence: missense variant.
Genome position (GRCh38, 1-based): chr17:1,675,812, C>T on the plus strand (G>A on the coding strand, the complement: PRPF8 is on the minus strand). VCF-style: chr17-1675812-C-T. GRCh37 (hg19) VCF-style: chr17-1579106-C-T.
Other names: short protein forms V894M.
Identifiers: ClinVar variation 1448180 (VCV001448180.6), dbSNP rs1912576146, ClinGen allele CA397548883.

ClinVar aggregate classification (germline): Uncertain significance (1 of 4 stars; one submission).

Allele frequency attached by ClinVar (database versions not stated): TOPMed below 0.00001.

Submission:

Labcorp Genetics (formerly Invitae), Labcorp
Classification: Uncertain significance. Last evaluated: 2022-06-27. Review status: criteria provided, single submitter. Criteria: Invitae Variant Classification Sherloc (09022015). Collection method: clinical testing. Allele origin: germline.
Comment: In summary, the available evidence is currently insufficient to determine the role of this variant in disease. Therefore, it has been classified as a Variant of Uncertain Significance. Algorithms developed to predict the effect of missense changes on protein structure and function are either unavailable or do not agree on the potential impact of this missense change (SIFT: "Deleterious"; PolyPhen-2: "Benign"; Align-GVGD: "Class C0"). This variant has not been reported in the literature in individuals affected with PRPF8-related conditions. This variant is not present in population databases (gnomAD no frequency). This sequence change replaces valine, which is neutral and non-polar, with methionine, which is neutral and non-polar, at codon 894 of the PRPF8 protein (p.Val894Met).